The following is an entry in ClinVar:

NM_033305.3(VPS13A):c.5052_5054delinsCG (p.His1685fs)

Gene: VPS13A (vacuolar protein sorting 13 homolog A; plus strand). Cytogenetic location: 9q21.2.
Variant type: Indel.
Coding change: c.5052_5054delinsCG on transcript NM_033305.3 (MANE Select); coding-DNA positions 5052 to 5054, ACA replaced by CG.
Protein change: p.His1685fs; shifts the reading frame from histidine 1685.
Molecular consequence: frameshift variant.
Genome position (GRCh38, 1-based): chr9:77,318,330-77,318,332, ACA replaced by CG. VCF-style: chr9-77318330-ACA-CG. GRCh37 (hg19) VCF-style: chr9-79933246-ACA-CG.
Other names: c.4935_4937delinsCG, p.His1646fs (NM_001018037.2); c.5052_5054delinsCG, p.His1685fs (NM_001018038.3, NM_015186.4); short protein forms H1646fs, H1685fs.
Identifiers: ClinVar variation 5014529 (VCV005014529.1).
Genomic context (GRCh38, chr9:77,318,330, plus strand): 5'-AACTTCAGCACTGTATACAACTAAGGAAACCATCCCAGAAGAAACGGCTTCTTCTACTGC[ACA>CG]TTTATGGGAAAAGAAGGATACAAAGACTTTAAAAATGTGGTTTCTTGAAGAATCAAATGA-3'

ClinVar aggregate classification (germline): Pathogenic (1 of 4 stars; one submission).

Conditions:
VPS13A-related neurodegenerative disease. Also called: ACANTHOCYTOSIS WITH NEUROLOGIC DISORDER; LEVINE-CRITCHLEY SYNDROME; Choreoacanthocytosis; Chorea-acanthocytosis; Choreaacanthocytosis; VPS13A Disease. Identifiers: Orphanet 2388, MedGen C0393576, MONDO:0008695, OMIM 200150.

Submission:

Myriad Genetics, Inc.
Classification: Pathogenic for VPS13A-related neurodegenerative disease. Last evaluated: 2025-05-28. Review status: criteria provided, single submitter. Criteria: Myriad Autosomal Dominant, Autosomal Recessive and X-Linked Classification Criteria (2023). Collection method: clinical testing. Allele origin: unknown.
Comment: NM_033305.2(VPS13A):c.5052_5054delACAinsCG(H1685Vfs*11) is expected to be pathogenic in the context of VPS13A disease. This variant is predicted to lead to an abnormal or absent protein product due to the creation of a premature termination codon in VPS13A, a gene where loss-of-function variants are known to be pathogenic. Please note: this variant was assessed in the context of healthy population screening.